The following is an entry in ClinVar:

ClinVar aggregate classification (germline): Uncertain significance (1 of 4 stars; one submission).

Conditions:
Inborn genetic diseases. Identifiers: MedGen C0950123, MeSH D030342.

Submission:

Ambry Genetics
Classification: Uncertain significance for Inborn genetic diseases. Last evaluated: 2025-07-01. Review status: criteria provided, single submitter. Criteria: Ambry Variant Classification Scheme 2023. Collection method: clinical testing. Allele origin: germline.
Comment: The p.V31L variant (also known as c.91G>T), located in coding exon 2 of the ELANE gene, results from a G to T substitution at nucleotide position 91. The valine at codon 31 is replaced by leucine, an amino acid with highly similar properties. This amino acid position is conserved. In addition, the in silico prediction for this alteration is inconclusive. Based on the available evidence, the clinical significance of this variant remains unclear.

NM_001972.4(ELANE):c.91G>T (p.Val31Leu)

Gene: ELANE (elastase, neutrophil expressed; plus strand). Cytogenetic location: 19p13.3.
Variant type: single nucleotide variant.
Coding change: c.91G>T on transcript NM_001972.4 (MANE Select); coding-DNA position 91, G replaced by T.
Protein change: p.Val31Leu; replaces valine 31 with leucine.
Molecular consequence: missense variant.
Genome position (GRCh38, 1-based): chr19:852,899, G>T. VCF-style: chr19-852899-G-T. GRCh37 (hg19) VCF-style: chr19-852899-G-T.
Other names: short protein forms V31L.
Identifiers: ClinVar variation 4248061 (VCV004248061.1).